The following is an entry in ClinVar:

NM_032242.4(PLXNA1):c.2312C>T (p.Ser771Leu)

Gene: PLXNA1 (plexin A1; plus strand). Cytogenetic location: 3q21.3.
Variant type: single nucleotide variant.
Coding change: c.2312C>T on transcript NM_032242.4 (MANE Select); coding-DNA position 2312, C replaced by T.
Protein change: p.Ser771Leu; replaces serine 771 with leucine.
Molecular consequence: missense variant.
Genome position (GRCh38, 1-based): chr3:127,012,157, C>T. VCF-style: chr3-127012157-C-T. GRCh37 (hg19) VCF-style: chr3-126731000-C-T.
Other names: short protein forms S771L.
Identifiers: ClinVar variation 3355314 (VCV003355314.2).

ClinVar aggregate classification (germline): Uncertain significance (1 of 4 stars; one submission).

Conditions:
PLXNA1-related disorder. Also called: PLXNA1-related condition.

gnomAD v4.1: 30 of 1,610,594 alleles (0.0019%); highest among the groups gnomAD compares: East Asian, 0.016%; no homozygotes.

Submission:

PreventionGenetics, part of Exact Sciences
Classification: Uncertain significance for PLXNA1-related condition. Last evaluated: 2025-06-30. Review status: criteria provided, single submitter. Criteria: ACMG Guidelines, 2015. Collection method: clinical testing. Allele origin: germline.
Comment: The PLXNA1 c.2312C>T variant is predicted to result in the amino acid substitution p.Ser771Leu. This variant occurs near the end of an exon and is predicted to have a minor defect on splicing at the consensus splice site (SpliceAI, Jaganathan et al. 2019. PubMed ID: 30661751; Alamut Visual Plus v.1.6.1). However, these predictions are not equivalent to functional evidence. To our knowledge, this variant has not been reported in the literature. This variant is reported in 0.0047% of alleles in individuals of European (Finnish) descent in gnomAD. At this time, the clinical significance of this variant is uncertain due to the absence of conclusive functional and genetic evidence.